The following is an entry in ClinVar:

NM_000191.3(HMGCL):c.828G>A (p.Leu276=)

Gene: HMGCL (3-hydroxy-3-methylglutaryl-CoA lyase; minus strand). Cytogenetic location: 1p36.11.
Variant type: single nucleotide variant.
Coding change: c.828G>A on transcript NM_000191.3 (MANE Select); coding-DNA position 828, G replaced by A.
Protein change: p.Leu276=; no amino-acid change (leucine 276 retained).
Molecular consequence: synonymous variant.
Genome position (GRCh38, 1-based): chr1:23,804,448, C>T on the plus strand (G>A on the coding strand, the complement: HMGCL is on the minus strand). VCF-style: chr1-23804448-C-T. GRCh37 (hg19) VCF-style: chr1-24130938-C-T.
Other names: c.615G>A, p.Leu205= (NM_001166059.2).
Identifiers: ClinVar variation 296847 (VCV000296847.16), dbSNP rs771024022, ClinGen allele CA685902.
Genomic context (GRCh38, chr1:23,804,448, plus strand): 5'-GGGTGGGCTTACCGTGTGAATGCCCAAGCCCTCTAGCATGTAGACCAGGTCTTCTGTGGC[C>T]AAGTTTCCTGATGCCCCCTGTGCGTAGGGACAGCCTCCAAGTCCTGCCACAGAAGAGTCC-3'
Protein context (NP_000182.2, residues 266-286): CPYAQGASGN[Leu276=]ATEDLVYMLE

ClinVar aggregate classification (germline): Conflicting classifications of pathogenicity. Review status: criteria provided, conflicting classifications (1 of 4 stars). 3 submissions from 3 submitters: Uncertain significance (1); Likely benign (1). 1 of the submissions does not count toward it. Last evaluated 2025-05-27.

Conditions:
HMGCL-related disorder. Also called: HMGCL-related condition.
Deficiency of hydroxymethylglutaryl-CoA lyase (HMGCLD). Also called: HMGCL DEFICIENCY; HYDROXYMETHYLGLUTARIC ACIDURIA; Defect in leucine metabolism; 3-hydroxy-3-methylglutaric aciduria; HMG-CoA LYASE DEFICIENCY. Identifiers: Orphanet 20, MedGen C1533587, MONDO:0009520, OMIM 246450.

Allele frequency attached by ClinVar (database versions not stated): ExAC 0.00002; gnomAD 0.00002; gnomAD exomes 0.00002 and 0.00008; TOPMed 0.00002.
gnomAD v4.1: 122 of 1,614,076 alleles (0.0076%); highest among the groups gnomAD compares: Non-Finnish European, 0.01%; no homozygotes.

Submissions (3):

Labcorp Genetics (formerly Invitae), Labcorp
Classification: Likely benign for Deficiency of hydroxymethylglutaryl-CoA lyase. Last evaluated: 2025-05-27. Review status: criteria provided, single submitter. Criteria: Invitae Variant Classification Sherloc (09022015). Collection method: clinical testing. Allele origin: germline.

Illumina Laboratory Services, Illumina
Classification: Uncertain significance for Deficiency of hydroxymethylglutaryl-CoA lyase. Last evaluated: 2018-01-12. Review status: criteria provided, single submitter. Criteria: ICSL Variant Classification Criteria 13 December 2019. Collection method: clinical testing. Allele origin: germline.

PreventionGenetics, part of Exact Sciences
Classification: Likely benign for HMGCL-related condition. Last evaluated: 2022-04-06. Review status: no assertion criteria provided. Collection method: clinical testing. Allele origin: germline. Not counted in ClinVar's aggregate classification.
Comment: This variant is classified as likely benign based on ACMG/AMP sequence variant interpretation guidelines (Richards et al. 2015 PMID: 25741868, with internal and published modifications).